The following is an entry in ClinVar:

ClinVar aggregate classification (germline): Uncertain significance (1 of 4 stars; one submission).

Conditions:
Saldino-Mainzer syndrome (SRTD9). Also called: short-rib thoracic dysplasia 9 with or without polydactyly; CONORENAL SYNDROME; Renal dysplasia, retinal pigmentary dystrophy, cerebellar ataxia and skeletal dysplasia; SHORT-RIB THORACIC DYSPLASIA 9 WITHOUT POLYDACTYLY. Identifiers: Orphanet 140969, MedGen C1849437, MONDO:0009964, OMIM 266920.

Allele frequency attached by ClinVar (database versions not stated): TOPMed below 0.00001.
gnomAD v4.1: 2 of 1,614,184 alleles (0.00012%); no homozygotes.

Submission:

Labcorp Genetics (formerly Invitae), Labcorp
Classification: Uncertain significance for Saldino-Mainzer syndrome. Last evaluated: 2022-08-19. Review status: criteria provided, single submitter. Criteria: Invitae Variant Classification Sherloc (09022015). Collection method: clinical testing. Allele origin: germline.
Comment: This sequence change replaces glycine, which is neutral and non-polar, with serine, which is neutral and polar, at codon 221 of the IFT140 protein (p.Gly221Ser). This variant is not present in population databases (gnomAD no frequency). In summary, the available evidence is currently insufficient to determine the role of this variant in disease. Therefore, it has been classified as a Variant of Uncertain Significance. Algorithms developed to predict the effect of missense changes on protein structure and function (SIFT, PolyPhen-2, Align-GVGD) all suggest that this variant is likely to be tolerated. This variant has not been reported in the literature in individuals affected with IFT140-related conditions.

NM_014714.4(IFT140):c.661G>A (p.Gly221Ser)

Genes: IFT140 (intraflagellar transport 140; minus strand), LOC105371046 (uncharacterized LOC105371046; plus strand). Cytogenetic location: 16p13.3.
Variant type: single nucleotide variant.
Coding change: c.661G>A on transcript NM_014714.4 (MANE Select); coding-DNA position 661, G replaced by A.
Protein change: p.Gly221Ser; replaces glycine 221 with serine.
Molecular consequence: missense variant.
Genome position (GRCh38, 1-based): chr16:1,589,754, C>T on the plus strand (G>A on the coding strand, the complement: IFT140 is on the minus strand). VCF-style: chr16-1589754-C-T. GRCh37 (hg19) VCF-style: chr16-1639755-C-T.
Other names: short protein forms G221S.
Identifiers: ClinVar variation 2158613 (VCV002158613.2), dbSNP rs1422407152, ClinGen allele CA394218948.